The following is an entry in ClinVar:

ClinVar aggregate classification (germline): Conflicting classifications of pathogenicity. Review status: criteria provided, conflicting classifications (1 of 4 stars). 5 submissions from 5 submitters: Uncertain significance (1); Likely benign (2). 2 of the submissions do not count toward it. Last evaluated 2025-01-29.

Conditions:
Usher syndrome type 1B (USH1B). Also called: Usher syndrome type IB. Identifiers: MedGen C1848638, MONDO:0700087.
MYO7A-related disorder. Also called: MYO7A-related disorders.

Allele frequency attached by ClinVar (database versions not stated): gnomAD exomes 0.00004 and 0.00008; ExAC 0.00014; gnomAD 0.00034 and 0.00037; 1000 Genomes Project 0.00040; TOPMed 0.00046; 1000 Genomes Project 30x 0.00047; ESP Exome Variant Server 0.00048.
gnomAD v4.1: 107 of 1,612,084 alleles (0.0066%); highest among the groups gnomAD compares: African/African-American, 0.13%; no homozygotes.

Submissions (5):

Labcorp Genetics (formerly Invitae), Labcorp
Classification: Uncertain significance. Last evaluated: 2025-01-29. Review status: criteria provided, single submitter. Criteria: Invitae Variant Classification Sherloc (09022015). Collection method: clinical testing. Allele origin: germline.
Comment: This sequence change falls in intron 7 of the MYO7A gene. It does not directly change the encoded amino acid sequence of the MYO7A protein. It affects a nucleotide within the consensus splice site. This variant is present in population databases (rs371398512, gnomAD 0.1%). This variant has not been reported in the literature in individuals affected with MYO7A-related conditions. ClinVar contains an entry for this variant (Variation ID: 858618). Variants that disrupt the consensus splice site are a relatively common cause of aberrant splicing (PMID: 17576681, 9536098). Algorithms developed to predict the effect of sequence changes on RNA splicing suggest that this variant is not likely to affect RNA splicing. In summary, the available evidence is currently insufficient to determine the role of this variant in disease. Therefore, it has been classified as a Variant of Uncertain Significance.

Blueprint Genetics
Classification: Likely benign. Last evaluated: 2021-10-21. Review status: criteria provided, single submitter. Criteria: ACMG Guidelines, 2015. Collection method: clinical testing. Allele origin: germline.

GeneDx
Classification: Likely benign. Last evaluated: 2020-05-21. Review status: criteria provided, single submitter. Criteria: GeneDx Variant Classification Process June 2021. Collection method: clinical testing. Allele origin: germline. Affected: yes.

Natera, Inc.
Classification: Uncertain significance for Usher syndrome type 1B. Last evaluated: 2020-01-24. Review status: no assertion criteria provided. Collection method: clinical testing. Allele origin: germline. Not counted in ClinVar's aggregate classification.

PreventionGenetics, part of Exact Sciences
Classification: Likely benign for MYO7A-related condition. Last evaluated: 2019-04-09. Review status: no assertion criteria provided. Collection method: clinical testing. Allele origin: germline. Not counted in ClinVar's aggregate classification.
Comment: This variant is classified as likely benign based on ACMG/AMP sequence variant interpretation guidelines (Richards et al. 2015 PMID: 25741868, with internal and published modifications).

Literature cited by the submitters: PubMed 17576681 (cited by Labcorp Genetics (formerly Invitae), Labcorp); PubMed 9536098 (cited by Labcorp Genetics (formerly Invitae), Labcorp).

NM_000260.4(MYO7A):c.735+3G>A

Gene: MYO7A (myosin VIIA; plus strand). Cytogenetic location: 11q13.5.
Variant type: single nucleotide variant.
Coding change: c.735+3G>A on transcript NM_000260.4 (MANE Select); 3 bases into the intron after coding-DNA position 735, G replaced by A.
Molecular consequence: intron variant.
Genome position (GRCh38, 1-based): chr11:77,157,007, G>A. VCF-style: chr11-77157007-G-A. GRCh37 (hg19) VCF-style: chr11-76868053-G-A.
Other names: c.702+3G>A (NM_001369365.1); c.735+3G>A (NM_001127180.2).
Identifiers: ClinVar variation 858618 (VCV000858618.13), dbSNP rs371398512, ClinGen allele CA6197226.
Genomic context (GRCh38, chr11:77,157,007, plus strand): 5'-CATCGAGGGCGCGAAGATTGAGCAGTACCTGCTGGAAAAGTCACGTGTCTGTCGCCAGGT[G>A]GGCCTGAGCCCCAGGGATGCAGGAATAGACCCAGGCCCCTGGCCTCAGGGGTCTGCGTGG-3'